The following is an entry in ClinVar:

NM_000465.4(BARD1):c.1177G>C (p.Gly393Arg)

Gene: BARD1 (BRCA1 associated RING domain 1; minus strand). Cytogenetic location: 2q35.
Variant type: single nucleotide variant.
Coding change: c.1177G>C on transcript NM_000465.4 (MANE Select); coding-DNA position 1177, G replaced by C.
Protein change: p.Gly393Arg; replaces glycine 393 with arginine.
Molecular consequence: missense variant. On other transcripts: non-coding transcript variant (2), intron variant (3).
Genome position (GRCh38, 1-based): chr2:214,780,697, C>G on the plus strand (G>C on the coding strand, the complement: BARD1 is on the minus strand). VCF-style: chr2-214780697-C-G. GRCh37 (hg19) VCF-style: chr2-215645421-C-G.
Other names: c.1120G>C, p.Gly374Arg (NM_001282543.2); c.159-28142G>C (NM_001282548.2); c.215+16364G>C (NM_001282545.2); c.364+11600G>C (NM_001282549.2); short protein forms G393R, G374R.
Identifiers: ClinVar variation 479160 (VCV000479160.5), dbSNP rs1553622207, ClinGen allele CA350453852.

ClinVar aggregate classification (germline): Uncertain significance (1 of 4 stars; one submission).

Conditions:
Hereditary cancer-predisposing syndrome. Also called: Neoplastic Syndromes, Hereditary; Hereditary Cancer Syndrome; Hereditary neoplastic syndrome; Tumor predisposition. Identifiers: Orphanet 140162, MedGen C0027672, MeSH D009386, MONDO:0015356.

Submission:

Ambry Genetics
Classification: Uncertain significance for Hereditary cancer-predisposing syndrome. Last evaluated: 2016-09-06. Review status: criteria provided, single submitter. Criteria: Ambry Variant Classification Scheme 2023. Collection method: clinical testing. Allele origin: germline.
Comment: The p.G393R variant (also known as c.1177G>C), located in coding exon 4 of the BARD1 gene, results from a G to C substitution at nucleotide position 1177. The glycine at codon 393 is replaced by arginine, an amino acid with dissimilar properties. This variant was not reported in population based cohorts in the following databases: Database of Single Nucleotide Polymorphisms (dbSNP), NHLBI Exome Sequencing Project (ESP), and 1000 Genomes Project. In the ESP, this variant was not observed in 6503 samples (13006 alleles) with coverage at this position. To date, this alteration has been detected with an allele frequency of approximately 0.001% (greater than 175000 alleles tested) in our clinical cohort. This amino acid position is not well conserved in available vertebrate species. In addition, this alteration is predicted to be tolerated by in silico analysis. Since supporting evidence is limited at this time, the clinical significance of this alteration remains unclear.